The following is an entry in ClinVar:

NM_032444.4(SLX4):c.3527T>C (p.Leu1176Pro)

Gene: SLX4 (SLX4 structure-specific endonuclease subunit; minus strand). Cytogenetic location: 16p13.3.
Variant type: single nucleotide variant.
Coding change: c.3527T>C on transcript NM_032444.4 (MANE Select); coding-DNA position 3527, T replaced by C.
Protein change: p.Leu1176Pro; replaces leucine 1176 with proline.
Molecular consequence: missense variant.
Genome position (GRCh38, 1-based): chr16:3,590,111, A>G on the plus strand (T>C on the coding strand, the complement: SLX4 is on the minus strand). VCF-style: chr16-3590111-A-G. GRCh37 (hg19) VCF-style: chr16-3640112-A-G.
Other names: short protein forms L1176P.
Identifiers: ClinVar variation 4883283 (VCV004883283.2).
Genomic context (GRCh38, chr16:3,590,111, plus strand): 5'-TCAATGATGGAAAACAGCTCACAGGACCTAGGGCTAATTTCTAGAGCTTTCTTTTCTTCC[A>G]GAGGATCACTAGAAATGGACTTCATTTTGGTTTGTTCTAGCTCCAGCTCCTCATCCGAGT-3'
Protein context (NP_115820.2, residues 1166-1186): TKMKSISSDP[Leu1176Pro]EEKKALEISP

ClinVar aggregate classification (germline): Uncertain significance (1 of 4 stars; one submission).

gnomAD v4.1: 1 of 1,614,182 alleles (0.000062%); highest among the groups gnomAD compares: Non-Finnish European, 0.000085%; no homozygotes.

Submission:

Dasa
Classification: Uncertain significance. Last evaluated: 2025-05-26. Review status: criteria provided, single submitter. Criteria: DASA Assertion Criteria. Collection method: clinical testing. Allele origin: germline.
Comment: NM_032444.4(SLX4):c.3527T>C (p.Leu1176Pro) is a missense variant that results in the substitution of leucine with proline. This variant is rare in population databases. Computational prediction algorithms are consistent with a benign effect. The currently available literature and clinical evidence are not sufficient to establish a definitive association between this variant and the reported condition. Therefore, this variant is classified as a variant of uncertain significance.